The following is an entry in ClinVar:

NM_001303256.3(MORC2):c.1130G>A (p.Arg377Gln)

Gene: MORC2 (MORC family CW-type zinc finger 2; minus strand). Cytogenetic location: 22q12.2.
Variant type: single nucleotide variant.
Coding change: c.1130G>A on transcript NM_001303256.3 (MANE Select); coding-DNA position 1130, G replaced by A.
Protein change: p.Arg377Gln; replaces arginine 377 with glutamine.
Molecular consequence: missense variant.
Genome position (GRCh38, 1-based): chr22:30,938,149, C>T on the plus strand (G>A on the coding strand, the complement: MORC2 is on the minus strand). VCF-style: chr22-30938149-C-T. GRCh37 (hg19) VCF-style: chr22-31334136-C-T.
Other names: c.1130G>A, p.Arg377Gln (NM_001303257.2); c.944G>A, p.Arg315Gln (NM_014941.3); short protein forms R315Q, R377Q.
Identifiers: ClinVar variation 1708946 (VCV001708946.5), dbSNP rs1313283174, ClinGen allele CA411239425.

ClinVar aggregate classification (germline): Uncertain significance. Review status: criteria provided, multiple submitters, no conflicts (2 of 4 stars). 2 submissions from 2 submitters: Uncertain significance (2). Last evaluated 2023-03-14.

Conditions:
Charcot-Marie-Tooth disease axonal type 2Z. Also called: CHARCOT-MARIE-TOOTH DISEASE, AXONAL, AUTOSOMAL DOMINANT, TYPE 2Z; CHARCOT-MARIE-TOOTH NEUROPATHY, TYPE 2Z. Identifiers: Orphanet 466768, MedGen C5569025, MONDO:0014736, OMIM 616688.

Allele frequency attached by ClinVar (database versions not stated): TOPMed below 0.00001; gnomAD 0.00001.
gnomAD v4.1: 1 of 1,613,946 alleles (0.000062%); highest among the groups gnomAD compares: Non-Finnish European, 0.000085%; no homozygotes.

Submissions (2):

Labcorp Genetics (formerly Invitae), Labcorp
Classification: Uncertain significance for Charcot-Marie-Tooth disease axonal type 2Z. Last evaluated: 2023-03-14. Review status: criteria provided, single submitter. Criteria: Invitae Variant Classification Sherloc (09022015). Collection method: clinical testing. Allele origin: germline.
Comment: In summary, the available evidence is currently insufficient to determine the role of this variant in disease. Therefore, it has been classified as a Variant of Uncertain Significance. Algorithms developed to predict the effect of sequence changes on RNA splicing suggest that this variant may create or strengthen a splice site. Advanced modeling of protein sequence and biophysical properties (such as structural, functional, and spatial information, amino acid conservation, physicochemical variation, residue mobility, and thermodynamic stability) performed at Invitae indicates that this missense variant is expected to disrupt MORC2 protein function. ClinVar contains an entry for this variant (Variation ID: 1708946). This variant has not been reported in the literature in individuals affected with MORC2-related conditions. This variant is not present in population databases (gnomAD no frequency). This sequence change replaces arginine, which is basic and polar, with glutamine, which is neutral and polar, at codon 377 of the MORC2 protein (p.Arg377Gln).

GeneDx
Classification: Uncertain significance. Last evaluated: 2022-04-08. Review status: criteria provided, single submitter. Criteria: GeneDx Variant Classification Process June 2021. Collection method: clinical testing. Allele origin: germline. Affected: yes.
Comment: Not observed at significant frequency in large population cohorts (gnomAD); In silico analysis supports that this missense variant has a deleterious effect on protein structure/function; Has not been previously published as pathogenic or benign to our knowledge; In silico analysis, which includes splice predictors and evolutionary conservation, suggests this variant may impact gene splicing. In the absence of RNA/functional studies, the actual effect of this sequence change is unknown.